The following is an entry in ClinVar:

NM_001199107.2(TBC1D24):c.47A>T (p.Asp16Val)

Gene: TBC1D24 (TBC1 domain family member 24; plus strand). Cytogenetic location: 16p13.3.
Variant type: single nucleotide variant.
Coding change: c.47A>T on transcript NM_001199107.2 (MANE Select); coding-DNA position 47, A replaced by T.
Protein change: p.Asp16Val; replaces aspartic acid 16 with valine.
Molecular consequence: missense variant.
Genome position (GRCh38, 1-based): chr16:2,496,195, A>T. VCF-style: chr16-2496195-A-T. GRCh37 (hg19) VCF-style: chr16-2546196-A-T.
Other names: c.47A>T, p.Asp16Val (NM_020705.3); short protein forms D16V.
Identifiers: ClinVar variation 4812326 (VCV004812326.1).

ClinVar aggregate classification (germline): Uncertain significance (1 of 4 stars; one submission).

Conditions:
Autosomal dominant nonsyndromic hearing loss 65. Also called: Deafness, autosomal dominant 65; TBC1D24-Related Autosomal Dominant Nonsyndromic Hearing Loss (DFNA). Identifiers: Orphanet 90635, MedGen C3892048, MONDO:0014470, OMIM 616044.
Developmental and epileptic encephalopathy, 1 (DEE1). Also called: INFANTILE SPASM SYNDROME, X-LINKED 1; X-linked infantile spasms; West's syndrome; Tonic spasms with clustering, arrest of psychomotor development and hypsarrhythmia on EEG; X-Linked Infantile Spasm Syndrome; OHTAHARA SYNDROME, X-LINKED. Identifiers: MedGen C3463992, MONDO:0010632, OMIM 308350. Disease mechanism: loss of function.

Submission:

Labcorp Genetics (formerly Invitae), Labcorp
Classification: Uncertain significance for Developmental and epileptic encephalopathy, 1; Autosomal dominant nonsyndromic hearing loss 65. Last evaluated: 2025-12-31. Review status: criteria provided, single submitter. Criteria: Invitae Variant Classification Sherloc (09022015). Collection method: clinical testing. Allele origin: germline.
Comment: This sequence change replaces aspartic acid, which is acidic and polar, with valine, which is neutral and non-polar, at codon 16 of the TBC1D24 protein (p.Asp16Val). This variant is not present in population databases (gnomAD no frequency). This variant has not been reported in the literature in individuals affected with TBC1D24-related conditions. Invitae Evidence Modeling of protein sequence and biophysical properties (such as structural, functional, and spatial information, amino acid conservation, physicochemical variation, residue mobility, and thermodynamic stability) indicates that this missense variant is not expected to disrupt TBC1D24 protein function with a negative predictive value of 80%. In summary, the available evidence is currently insufficient to determine the role of this variant in disease. Therefore, it has been classified as a Variant of Uncertain Significance.